The following is an entry in ClinVar:

NM_001242896.3(DEPDC5):c.2938T>G (p.Trp980Gly)

Gene: DEPDC5 (DEP domain containing 5, GATOR1 subcomplex subunit; plus strand). Cytogenetic location: 22q12.3.
Variant type: single nucleotide variant.
Coding change: c.2938T>G on transcript NM_001242896.3 (MANE Select); coding-DNA position 2938, T replaced by G.
Protein change: p.Trp980Gly; replaces tryptophan 980 with glycine.
Molecular consequence: missense variant. On other transcripts: non-coding transcript variant (5).
Genome position (GRCh38, 1-based): chr22:31,845,154, T>G. VCF-style: chr22-31845154-T-G. GRCh37 (hg19) VCF-style: chr22-32241140-T-G.
Other names: c.2938T>G, p.Trp980Gly (NM_001364320.2, NM_001363852.2, NM_001364318.2); c.2854T>G, p.Trp952Gly (NM_001369901.1, NM_001369902.1); c.2911T>G, p.Trp971Gly (NM_001369903.1, NM_014662.6, NM_001136029.4); c.2704T>G, p.Trp902Gly (NM_001242897.2, NM_001363854.2, NM_001364319.2); short protein forms W971G, W952G, W980G, W902G.
Identifiers: ClinVar variation 4746618 (VCV004746618.1).
Genomic context (GRCh38, chr22:31,845,154, plus strand): 5'-ACGGAGGGGGAGGCCCACTGCGACATCTATGGGGACAGGCCCCGTGCAGACGAGGACGAG[T>G]GGCAACTCCTGGATGGTTTTGTCCGCTTTGTGGAGGGCTTGAATCGCATTCGCAGGCGGC-3'
Protein context (NP_001229825.1, residues 970-990): GDRPRADEDE[Trp980Gly]QLLDGFVRFV

ClinVar aggregate classification (germline): Uncertain significance (1 of 4 stars; one submission).

Conditions:
Familial focal epilepsy with variable foci (FPEVF). Identifiers: Orphanet 98820, MedGen C1858477, MONDO:0020310.

Submission:

Labcorp Genetics (formerly Invitae), Labcorp
Classification: Uncertain significance for Familial focal epilepsy with variable foci. Last evaluated: 2025-08-07. Review status: criteria provided, single submitter. Criteria: Invitae Variant Classification Sherloc (09022015). Collection method: clinical testing. Allele origin: germline.
Comment: This sequence change replaces tryptophan, which is neutral and slightly polar, with glycine, which is neutral and non-polar, at codon 980 of the DEPDC5 protein (p.Trp980Gly). This variant is not present in population databases (gnomAD no frequency). This variant has not been reported in the literature in individuals affected with DEPDC5-related conditions. Experimental studies and prediction algorithms are not available or were not evaluated, and the functional significance of this variant is currently unknown. In summary, the available evidence is currently insufficient to determine the role of this variant in disease. Therefore, it has been classified as a Variant of Uncertain Significance.